The following is an entry in ClinVar:

NM_017757.3(ZNF407):c.4432G>A (p.Glu1478Lys)

Gene: ZNF407 (zinc finger protein 407; plus strand). Cytogenetic location: 18q22.3.
Variant type: single nucleotide variant.
Coding change: c.4432G>A on transcript NM_017757.3 (MANE Select); coding-DNA position 4432, G replaced by A.
Protein change: p.Glu1478Lys; replaces glutamic acid 1478 with lysine.
Molecular consequence: missense variant.
Genome position (GRCh38, 1-based): chr18:74,635,451, G>A. VCF-style: chr18-74635451-G-A. GRCh37 (hg19) VCF-style: chr18-72347407-G-A.
Other names: c.4432G>A, p.Glu1478Lys (NM_001146189.1, NM_001146190.1, NM_001384475.1); short protein forms E1478K.
Identifiers: ClinVar variation 1802129 (VCV001802129.1), dbSNP rs2511908774, ClinGen allele CA402771195.

ClinVar aggregate classification (germline): Uncertain significance (1 of 4 stars; one submission).

Submission:

GeneDx
Classification: Uncertain significance. Last evaluated: 2022-06-02. Review status: criteria provided, single submitter. Criteria: GeneDx Variant Classification Process June 2021. Collection method: clinical testing. Allele origin: germline. Affected: yes.
Comment: Not observed at significant frequency in large population cohorts (gnomAD); In silico analysis supports that this missense variant does not alter protein structure/function; Has not been previously published as pathogenic or benign to our knowledge